The following is an entry in ClinVar:

ClinVar aggregate classification (germline): Likely pathogenic (1 of 4 stars; one submission).

Conditions:
alpha Thalassemia. Also called: Alpha thalassemia spectrum. Identifiers: Orphanet 846, MedGen C0002312, MONDO:0011399, OMIM 604131.

Submission:

Natera, Inc.
Classification: Likely pathogenic for Alpha thalassemia. Last evaluated: 2025-03-31. Review status: criteria provided, single submitter. Criteria: Natera Variant Classification Schema (03/2026). Collection method: clinical testing. Allele origin: germline.
Comment: The c.163del variant in HBA1 is a frameshift variant predicted to shift the reading frame beginning at codon 55 and leads to a stop codon 13 codons downstream. This variant is expected to result in nonsense mediated decay, truncation, or a dysfunctional protein product. This variant is rare in the general population with a frequency below the threshold expected for the associated phenotype(s). Given the available evidence, this variant is classified as Likely Pathogenic.

NM_000558.5(HBA1):c.163del (p.Gln55fs)

Genes: HBA1 (hemoglobin subunit alpha 1; plus strand), LOC106804613 (hemoglobin subunit alpha 1 recombination region; plus strand). Cytogenetic location: 16p13.3.
Variant type: Deletion.
Coding change: c.163del on transcript NM_000558.5 (MANE Select); coding-DNA position 163, one base deleted (C; older notation c.163delC).
Protein change: p.Gln55fs; shifts the reading frame from glutamine 55.
Molecular consequence: frameshift variant.
Genome position (GRCh38, 1-based): chr16:176,996, C deleted; the last of 3 consecutive C bases (chr16:176,994-176,996); deleting any one gives the same sequence. VCF-style (leftmost placement, unchanged base first): chr16-176993-GC-G. GRCh37 (hg19) VCF-style: chr16-226992-GC-G.
Other names: short protein forms Q55fs.
Identifiers: ClinVar variation 4069046 (VCV004069046.2).